The following is an entry in ClinVar:

ClinVar aggregate classification (germline): Conflicting classifications of pathogenicity. Review status: criteria provided, conflicting classifications (1 of 4 stars). 21 submissions from 19 submitters: Uncertain significance (2); Benign (12); Likely benign (4). 3 of the submissions do not count toward it. Last evaluated 2026-07-01.

Conditions:
Hypobetalipoproteinemia. Identifiers: Orphanet 31154, MedGen C0020597, MONDO:0017774.
Cardiovascular phenotype. Identifiers: MedGen CN230736.
Familial hypercholesterolemia. Also called: Familial hypercholesterolaemia; Familial hypercholesterolemias. Identifiers: MedGen C0020445, MONDO:0005439.
Hypercholesterolemia, familial, 1. Also called: LDL RECEPTOR DISORDER; Hyperlipoproteinemia Type IIa; HYPER-LOW-DENSITY-LIPOPROTEINEMIA; HYPERCHOLESTEROLEMIC XANTHOMATOSIS, FAMILIAL; Fredrickson type IIa hyperlipoproteinemia; Hyperlipoproteinemia type 2. Identifiers: Orphanet 391665, MedGen C0745103, MONDO:0007750, OMIM 143890.
Hypercholesterolemia, autosomal dominant, 3 (FHCL3). Also called: Familial hypercholesterolemia 3; Familial Hypercholesterolemia, Autosomal Dominant, 3; PCSK9-Related Familial Hypercholesterolemia, Autosomal Dominant. Identifiers: MedGen C1863551, MONDO:0011369, OMIM 603776.

Allele frequency attached by ClinVar (database versions not stated): TOPMed 0.00477; ESP Exome Variant Server 0.00485; gnomAD 0.00500 and 0.00544; gnomAD exomes 0.00507; ExAC 0.00540; 1000 Genomes Project 30x 0.00671; 1000 Genomes Project 0.00739.
gnomAD v4.1: 7,380 of 1,613,168 alleles (0.46%); highest among the groups gnomAD compares: South Asian, 1.7%; 34 homozygotes.

Submissions (23):

CeGaT Center for Human Genetics Tuebingen
Classification: Benign. Last evaluated: 2026-07-01. Review status: criteria provided, single submitter. Criteria: CeGaT Center For Human Genetics Tuebingen Variant Classification Criteria Version 2. Collection method: clinical testing. Allele origin: germline. Affected: yes. Observed: 23 variant alleles.
Comment: PCSK9: BP4, BP7, BS1, BS2

Labcorp Genetics (formerly Invitae), Labcorp
Classification: Benign for Hypercholesterolemia, autosomal dominant, 3. Last evaluated: 2026-02-04. Review status: criteria provided, single submitter. Criteria: Invitae Variant Classification Sherloc (09022015). Collection method: clinical testing. Allele origin: germline.

ARUP Laboratories, Molecular Genetics and Genomics, ARUP Laboratories
Classification: Benign. Last evaluated: 2025-05-19. Review status: criteria provided, single submitter. Criteria: ARUP Molecular Germline Variant Investigation Process 2024. Collection method: clinical testing. Allele origin: germline.

Molecular Diagnostic Laboratory for Inherited Cardiovascular Disease, Montreal Heart Institute
Classification: Benign. Last evaluated: 2025-04-09. Review status: criteria provided, single submitter. Criteria: ACMG Guidelines, 2015. Collection method: clinical testing. Allele origin: germline. Affected: no.

Blueprint Genetics
Classification: Likely benign. Last evaluated: 2024-11-25. Review status: criteria provided, single submitter. Criteria: ACMG Guidelines, 2015. Collection method: clinical testing. Allele origin: germline.

All of Us Research Program, National Institutes of Health
Classification: Benign for Hypercholesterolemia, autosomal dominant, 3. Last evaluated: 2024-02-05. Review status: criteria provided, single submitter. Criteria: ACMG Guidelines, 2015. Collection method: clinical testing. Allele origin: germline. Inheritance: Autosomal dominant inheritance. Observed: 878 variant alleles, 877 heterozygotes, 1 homozygote.
Comment: This study involves interpretation of variants in research participants for the purpose of population health screening. Participant phenotype was not available at the time of variant classification. Additional details can be found in publication PMID: 35346344, PMCID: PMC8962531

Mayo Clinic Laboratories, Mayo Clinic
Classification: Benign. Last evaluated: 2023-10-04. Review status: criteria provided, single submitter. Criteria: ACMG Guidelines, 2015. Collection method: clinical testing. Allele origin: germline. Observed: 14 variant alleles.
Comment: BS1, BS2, BP4, BP7

GENinCode PLC
Classification: Benign for Familial hypercholesterolemia. Last evaluated: 2022-08-24. Review status: criteria provided, single submitter. Criteria: ACMG Guidelines, 2015. Collection method: clinical testing. Allele origin: germline.

Quest Diagnostics Nichols Institute San Juan Capistrano
Classification: Benign. Last evaluated: 2022-05-13. Review status: criteria provided, single submitter. Criteria: Quest Diagnostics criteria. Collection method: clinical testing. Allele origin: unknown.

Color Diagnostics, LLC DBA Color Health
Classification: Benign for Familial hypercholesterolemias. Last evaluated: 2018-06-22. Review status: criteria provided, single submitter. Criteria: ACMG Guidelines, 2015. Collection method: clinical testing. Allele origin: germline.

Illumina Laboratory Services, Illumina
Classification: Likely benign for Hypobetalipoproteinemia. Last evaluated: 2018-01-13. Review status: criteria provided, single submitter. Criteria: ICSL Variant Classification Criteria 13 December 2019. Collection method: clinical testing. Allele origin: germline.
Comment: This variant was observed in the ICSL laboratory as part of a predisposition screen in an ostensibly healthy population. It had not been previously curated by ICSL or reported in the Human Gene Mutation Database (HGMD: prior to June 1st, 2018), and was therefore a candidate for classification through an automated scoring system. Utilizing variant allele frequency, disease prevalence and penetrance estimates, and inheritance mode, an automated score was calculated to assess if this variant is too frequent to cause the disease. Based on the score and internal cut-off values, a variant classified as likely benign is not then subjected to further curation. The score for this variant resulted in a classification of likely benign for this disease.

Illumina Laboratory Services, Illumina
Classification: Likely benign for Hypercholesterolemia, autosomal dominant, 3. Last evaluated: 2018-01-13. Review status: criteria provided, single submitter. Criteria: ICSL Variant Classification Criteria 13 December 2019. Collection method: clinical testing. Allele origin: germline.
Comment: the same text as in the submission from Illumina Laboratory Services, Illumina above.

Robarts Research Institute, Western University
Classification: Benign for Hypercholesterolemia, familial, 1. Last evaluated: 2018-01-02. Review status: criteria provided, single submitter. Criteria: ACMG Guidelines, 2015. Collection method: clinical testing. Allele origin: germline. Inheritance: Autosomal dominant inheritance. Affected: yes.

Color Diagnostics, LLC DBA Color Health
Classification: Likely benign for Familial hypercholesterolemia. Last evaluated: 2017-06-02. Review status: criteria provided, single submitter. Criteria: ACMG Guidelines, 2015. Collection method: clinical testing. Allele origin: germline.

GeneDx
Classification: Benign. Last evaluated: 2017-02-06. Review status: criteria provided, single submitter. Criteria: GeneDx Variant Classification (06012015). Collection method: clinical testing. Allele origin: germline. Affected: yes.
Comment: This variant is considered likely benign or benign based on one or more of the following criteria: it is a conservative change, it occurs at a poorly conserved position in the protein, it is predicted to be benign by multiple in silico algorithms, and/or has population frequency not consistent with disease.

Cardiovascular Research Group, Instituto Nacional de Saude Doutor Ricardo Jorge
Classification: Uncertain significance for Familial hypercholesterolemia. Last evaluated: 2016-03-01. Review status: criteria provided, single submitter. Criteria: ACMG Guidelines, 2015. Collection method: research. Allele origin: germline. Affected: yes.

Iberoamerican FH Network
Classification: Uncertain significance for Familial hypercholesterolemia. Last evaluated: 2016-03-01. Review status: criteria provided, single submitter. Criteria: ACMG Guidelines, 2015. Collection method: research. Allele origin: germline.
Comment: Variant present in the database from Chile

Ambry Genetics
Classification: Benign for Cardiovascular phenotype. Last evaluated: 2015-11-11. Review status: criteria provided, single submitter. Criteria: Ambry Variant Classification Scheme 2023. Collection method: clinical testing. Allele origin: germline.

Clinical Genetics, Academic Medical Center
Classification: Benign. Review status: no assertion criteria provided. Collection method: clinical testing. Allele origin: germline. Affected: yes. Study: VKGL Data-share Consensus. Not counted in ClinVar's aggregate classification.

Diagnostic Laboratory, Department of Genetics, University Medical Center Groningen
Classification: Likely benign for Hypercholesterolemia, autosomal dominant, 3. Review status: no assertion criteria provided. Collection method: clinical testing. Allele origin: germline. Affected: yes. Study: VKGL Data-share Consensus. Not counted in ClinVar's aggregate classification.

Dr. Peter K. Rogan Lab, Western University
No classification provided (evidence only). Condition: Lung cancer. Review status: no classification provided. Collection method: in vitro. Allele origin: not applicable. Functional consequence: retained intron. Not counted in ClinVar's aggregate classification.

Dr. Peter K. Rogan Lab, Western University
No classification provided (evidence only). Condition: Cervical cancer. Review status: no classification provided. Collection method: in vitro. Allele origin: not applicable. Functional consequence: skipped exon, retained intron. Not counted in ClinVar's aggregate classification.

Genome Diagnostics Laboratory, University Medical Center Utrecht
Classification: Likely benign. Review status: no assertion criteria provided. Collection method: clinical testing. Allele origin: germline. Affected: yes. Study: VKGL Data-share Consensus. Not counted in ClinVar's aggregate classification.

Literature cited by the submitters: PubMed 34297352 (cited by Mayo Clinic Laboratories, Mayo Clinic and Quest Diagnostics Nichols Institute San Juan Capistrano); PubMed 19191301 (cited by Quest Diagnostics Nichols Institute San Juan Capistrano).

NM_174936.4(PCSK9):c.720C>T (p.Gly240=)

Gene: PCSK9 (proprotein convertase subtilisin/kexin type 9; plus strand). Cytogenetic location: 1p32.3.
Variant type: single nucleotide variant.
Coding change: c.720C>T on transcript NM_174936.4 (MANE Select); coding-DNA position 720, C replaced by T.
Protein change: p.Gly240=; no amino-acid change (glycine 240 retained).
Molecular consequence: synonymous variant. On other transcripts: non-coding transcript variant (8).
Genome position (GRCh38, 1-based): chr1:55,052,712, C>T. VCF-style: chr1-55052712-C-T. GRCh37 (hg19) VCF-style: chr1-55518385-C-T.
Other names: p.Gly240=; c.843C>T, p.Gly281= (NM_001407240.1); c.720C>T, p.Gly240= (NM_001407241.1, NM_001407244.1, NM_001407247.1); c.723C>T, p.Gly241= (NM_001407242.1); c.663C>T, p.Gly221= (NM_001407243.1); c.528C>T, p.Gly176= (NM_001407245.1); c.345C>T, p.Gly115= (NM_001407246.1).
Identifiers: ClinVar variation 242028 (VCV000242028.68), dbSNP rs41297883, ClinGen allele CA044144.
Genomic context (GRCh38, chr1:55,052,712, plus strand): 5'-CAGCAAGTGTGACAGTCATGGCACCCACCTGGCAGGGGTGGTCAGCGGCCGGGATGCCGG[C>T]GTGGCCAAGGGTGCCAGCATGCGCAGCCTGCGCGTGCTCAACTGCCAAGGGAAGGGCACG-3'
Protein context (NP_777596.2, residues 230-250): LAGVVSGRDA[Gly240=]VAKGASMRSL